The following is an entry in ClinVar:

ClinVar aggregate classification (germline): Uncertain significance. Review status: criteria provided, multiple submitters, no conflicts (2 of 4 stars). 2 submissions from 2 submitters: Uncertain significance (2). Last evaluated 2025-01-22.

Conditions:
Cardiovascular phenotype. Identifiers: MedGen CN230736.
RASopathy. Also called: rasopathies; Noonan spectrum disorder. Identifiers: Orphanet 536391, MedGen C5555857, MONDO:0021060.

Allele frequency attached by ClinVar (database versions not stated): gnomAD exomes below 0.00001.
gnomAD v4.1: 5 of 1,607,948 alleles (0.00031%); highest among the groups gnomAD compares: East Asian, 0.011%; no homozygotes.

Submissions (2):

Labcorp Genetics (formerly Invitae), Labcorp
Classification: Uncertain significance for RASopathy. Last evaluated: 2025-01-22. Review status: criteria provided, single submitter. Criteria: Invitae Variant Classification Sherloc (09022015). Collection method: clinical testing. Allele origin: germline.
Comment: This sequence change replaces threonine, which is neutral and polar, with isoleucine, which is neutral and non-polar, at codon 1006 of the SOS1 protein (p.Thr1006Ile). This variant is not present in population databases (gnomAD no frequency). This variant has not been reported in the literature in individuals affected with SOS1-related conditions. ClinVar contains an entry for this variant (Variation ID: 2118185). Invitae Evidence Modeling of protein sequence and biophysical properties (such as structural, functional, and spatial information, amino acid conservation, physicochemical variation, residue mobility, and thermodynamic stability) indicates that this missense variant is not expected to disrupt SOS1 protein function with a negative predictive value of 95%. In summary, the available evidence is currently insufficient to determine the role of this variant in disease. Therefore, it has been classified as a Variant of Uncertain Significance.

Ambry Genetics
Classification: Uncertain significance for Cardiovascular phenotype. Last evaluated: 2023-01-20. Review status: criteria provided, single submitter. Criteria: Ambry Variant Classification Scheme 2023. Collection method: clinical testing. Allele origin: germline.
Comment: The p.T1006I variant (also known as c.3017C>T), located in coding exon 19 of the SOS1 gene, results from a C to T substitution at nucleotide position 3017. The threonine at codon 1006 is replaced by isoleucine, an amino acid with similar properties. This amino acid position is conserved. In addition, this alteration is predicted to be tolerated by in silico analysis. Since supporting evidence is limited at this time, the clinical significance of this alteration remains unclear.

NM_005633.4(SOS1):c.3017C>T (p.Thr1006Ile)

Gene: SOS1 (SOS Ras/Rac guanine nucleotide exchange factor 1; minus strand). Cytogenetic location: 2p22.1.
Variant type: single nucleotide variant.
Coding change: c.3017C>T on transcript NM_005633.4 (MANE Select); coding-DNA position 3017, C replaced by T.
Protein change: p.Thr1006Ile; replaces threonine 1006 with isoleucine.
Molecular consequence: missense variant.
Genome position (GRCh38, 1-based): chr2:38,996,986, G>A on the plus strand (C>T on the coding strand, the complement: SOS1 is on the minus strand). VCF-style: chr2-38996986-G-A. GRCh37 (hg19) VCF-style: chr2-39224127-G-A.
Other names: c.2996C>T, p.Thr999Ile (NM_001382394.1); c.3017C>T, p.Thr1006Ile (NM_001382395.1); short protein forms T999I, T1006I.
Identifiers: ClinVar variation 2118185 (VCV002118185.6), dbSNP rs1193609722, ClinGen allele CA346361427.